The following is an entry in ClinVar:

ClinVar aggregate classification (germline): Uncertain significance (1 of 4 stars; one submission).

Conditions:
DICER1-related tumor predisposition. Also called: DICER1 syndrome; DICER1-related pleuropulmonary blastoma cancer predisposition syndrome. Identifiers: Orphanet 284343, MedGen C3839822, MONDO:0100216.

Submission:

Labcorp Genetics (formerly Invitae), Labcorp
Classification: Uncertain significance for DICER1-related tumor predisposition. Last evaluated: 2020-08-05. Review status: criteria provided, single submitter. Criteria: Invitae Variant Classification Sherloc (09022015). Collection method: clinical testing. Allele origin: germline.
Comment: In summary, the available evidence is currently insufficient to determine the role of this variant in disease. Therefore, it has been classified as a Variant of Uncertain Significance. Algorithms developed to predict the effect of missense changes on protein structure and function output the following: SIFT: "Tolerated"; PolyPhen-2: "Benign"; Align-GVGD: "Class C0". The serine amino acid residue is found in multiple mammalian species, suggesting that this missense change does not adversely affect protein function. These predictions have not been confirmed by published functional studies and their clinical significance is uncertain. This variant has not been reported in the literature in individuals with DICER1-related disease. This sequence change replaces tyrosine with serine at codon 153 of the DICER1 protein (p.Tyr153Ser). The tyrosine residue is weakly conserved and there is a large physicochemical difference between tyrosine and serine. This variant is not present in population databases (ExAC no frequency).

NM_177438.3(DICER1):c.458A>C (p.Tyr153Ser)

Gene: DICER1 (dicer 1, ribonuclease III; minus strand). Cytogenetic location: 14q32.13.
Variant type: single nucleotide variant.
Coding change: c.458A>C on transcript NM_177438.3 (MANE Select); coding-DNA position 458, A replaced by C.
Protein change: p.Tyr153Ser; replaces tyrosine 153 with serine.
Molecular consequence: missense variant.
Genome position (GRCh38, 1-based): chr14:95,130,173, T>G on the plus strand (A>C on the coding strand, the complement: DICER1 is on the minus strand). VCF-style: chr14-95130173-T-G. GRCh37 (hg19) VCF-style: chr14-95596510-T-G.
Other names: c.458A>C, p.Tyr153Ser (NM_001291628.2, NM_030621.4, NM_001195573.1 and 1 more transcripts); short protein forms Y153S.
Identifiers: ClinVar variation 574270 (VCV000574270.10), dbSNP rs769827245, ClinGen allele CA390888575.